The following is an entry in ClinVar:

ClinVar aggregate classification (germline): Uncertain significance (1 of 4 stars; one submission).

Conditions:
Hereditary cancer-predisposing syndrome. Also called: Neoplastic Syndromes, Hereditary; Tumor predisposition; Hereditary Cancer Syndrome; Hereditary neoplastic syndrome. Identifiers: Orphanet 140162, MedGen C0027672, MeSH D009386, MONDO:0015356.

Allele frequency attached by ClinVar (database versions not stated): gnomAD exomes below 0.00001.
gnomAD v4.1: 2 of 1,612,658 alleles (0.00012%); highest among the groups gnomAD compares: Non-Finnish European, 0.00017%; no homozygotes.

Submission:

Labcorp Genetics (formerly Invitae), Labcorp
Classification: Uncertain significance for Hereditary cancer-predisposing syndrome. Last evaluated: 2022-11-29. Review status: criteria provided, single submitter. Criteria: Invitae Variant Classification Sherloc (09022015). Collection method: clinical testing. Allele origin: germline.
Comment: This variant has not been reported in the literature in individuals affected with RAD50-related conditions. This sequence change replaces leucine, which is neutral and non-polar, with arginine, which is basic and polar, at codon 439 of the RAD50 protein (p.Leu439Arg). This variant is not present in population databases (gnomAD no frequency). Advanced modeling of protein sequence and biophysical properties (such as structural, functional, and spatial information, amino acid conservation, physicochemical variation, residue mobility, and thermodynamic stability) performed at Invitae indicates that this missense variant is expected to disrupt RAD50 protein function. In summary, the available evidence is currently insufficient to determine the role of this variant in disease. Therefore, it has been classified as a Variant of Uncertain Significance.

NM_005732.4(RAD50):c.1316T>G (p.Leu439Arg)

Gene: RAD50 (RAD50 double strand break repair protein; plus strand). Cytogenetic location: 5q31.1.
Variant type: single nucleotide variant.
Coding change: c.1316T>G on transcript NM_005732.4 (MANE Select); coding-DNA position 1316, T replaced by G.
Protein change: p.Leu439Arg; replaces leucine 439 with arginine.
Molecular consequence: missense variant.
Genome position (GRCh38, 1-based): chr5:132,589,701, T>G. VCF-style: chr5-132589701-T-G. GRCh37 (hg19) VCF-style: chr5-131925393-T-G.
Other names: short protein forms L439R.
Identifiers: ClinVar variation 2817269 (VCV002817269.3), dbSNP rs2479637022, ClinGen allele CA360943809.